The following is an entry in ClinVar:

NM_002048.3(GAS1):c.932A>G (p.Tyr311Cys)

Gene: GAS1 (growth arrest specific 1; minus strand). Cytogenetic location: 9q21.33.
Variant type: single nucleotide variant.
Coding change: c.932A>G on transcript NM_002048.3 (MANE Select); coding-DNA position 932, A replaced by G.
Protein change: p.Tyr311Cys; replaces tyrosine 311 with cysteine.
Molecular consequence: missense variant.
Genome position (GRCh38, 1-based): chr9:86,945,848, T>C on the plus strand (A>G on the coding strand, the complement: GAS1 is on the minus strand). VCF-style: chr9-86945848-T-C. GRCh37 (hg19) VCF-style: chr9-89560763-T-C.
Other names: short protein forms Y311C.
Identifiers: ClinVar variation 2986190 (VCV002986190.3), dbSNP rs1475610572, ClinGen allele CA374015100.

ClinVar aggregate classification (germline): Uncertain significance (1 of 4 stars; one submission).

Allele frequency attached by ClinVar (database versions not stated): gnomAD exomes below 0.00001; TOPMed 0.00001.

Submission:

Labcorp Genetics (formerly Invitae), Labcorp
Classification: Uncertain significance. Last evaluated: 2023-11-18. Review status: criteria provided, single submitter. Criteria: Invitae Variant Classification Sherloc (09022015). Collection method: clinical testing. Allele origin: germline.
Comment: This sequence change replaces tyrosine, which is neutral and polar, with cysteine, which is neutral and slightly polar, at codon 311 of the GAS1 protein (p.Tyr311Cys). This variant is not present in population databases (gnomAD no frequency). This variant has not been reported in the literature in individuals affected with GAS1-related conditions. An algorithm developed to predict the effect of missense changes on protein structure and function (PolyPhen-2) suggests that this variant is likely to be disruptive. In summary, the available evidence is currently insufficient to determine the role of this variant in disease. Therefore, it has been classified as a Variant of Uncertain Significance.